The following is an entry in ClinVar:

ClinVar aggregate classification (germline): Likely benign (1 of 4 stars; one submission).

Allele frequency attached by ClinVar (database versions not stated): gnomAD exomes 0.00001; TOPMed 0.00001.
gnomAD v4.1: 8 of 1,211,068 alleles (0.00066%); highest among the groups gnomAD compares: Middle Eastern, 0.023%; no homozygotes.

Submission:

CeGaT Center for Human Genetics Tuebingen
Classification: Likely benign. Last evaluated: 2023-02-01. Review status: criteria provided, single submitter. Criteria: CeGaT Center For Human Genetics Tuebingen Variant Classification Criteria Version 2. Collection method: clinical testing. Allele origin: germline. Affected: yes. Observed: 1 variant allele.
Comment: TENT5D: BP4, BP7

NM_152630.5(TENT5D):c.666C>T (p.Leu222=)

Gene: TENT5D (terminal nucleotidyltransferase 5D; plus strand). Cytogenetic location: Xq21.1.
Variant type: single nucleotide variant.
Coding change: c.666C>T on transcript NM_152630.5 (MANE Select); coding-DNA position 666, C replaced by T.
Protein change: p.Leu222=; no amino-acid change (leucine 222 retained).
Molecular consequence: synonymous variant.
Genome position (GRCh38, 1-based): chrX:80,443,205, C>T. VCF-style: chrX-80443205-C-T. GRCh37 (hg19) VCF-style: chrX-79698704-C-T.
Other names: c.666C>T, p.Leu222= (NM_001170574.2).
Identifiers: ClinVar variation 2660979 (VCV002660979.24), dbSNP rs1359386793, ClinGen allele CA517477415.